The following is an entry in ClinVar:

NM_000321.3(RB1):c.1072C>G (p.Arg358Gly)

Gene: RB1 (RB transcriptional corepressor 1; plus strand). Cytogenetic location: 13q14.2.
Variant type: single nucleotide variant.
Coding change: c.1072C>G on transcript NM_000321.3 (MANE Select); coding-DNA position 1072, C replaced by G.
Protein change: p.Arg358Gly; replaces arginine 358 with glycine.
Molecular consequence: missense variant.
Genome position (GRCh38, 1-based): chr13:48,368,549, C>G. VCF-style: chr13-48368549-C-G. GRCh37 (hg19) VCF-style: chr13-48942685-C-G.
Other names: short protein forms R358G.
Identifiers: ClinVar variation 1370241 (VCV001370241.6), dbSNP rs121913301, ClinGen allele CA388161148.

ClinVar aggregate classification (germline): Uncertain significance (1 of 4 stars; one submission).

Conditions:
Retinoblastoma (RB1). Also called: RETINOBLASTOMA, SOMATIC. Identifiers: Orphanet 790, MedGen C0035335, MeSH D012175, MONDO:0008380, OMIM 180200, HP:0009919. Disease mechanism: loss of function. Inheritance: Both sporadic and heritable forms are tested..

Submission:

Labcorp Genetics (formerly Invitae), Labcorp
Classification: Uncertain significance for Retinoblastoma. Last evaluated: 2023-10-04. Review status: criteria provided, single submitter. Criteria: Invitae Variant Classification Sherloc (09022015). Collection method: clinical testing. Allele origin: germline.
Comment: This sequence change replaces arginine, which is basic and polar, with glycine, which is neutral and non-polar, at codon 358 of the RB1 protein (p.Arg358Gly). This variant is not present in population databases (gnomAD no frequency). This missense change has been observed in individual(s) with retinoblastoma (PMID: 8776589). ClinVar contains an entry for this variant (Variation ID: 1370241). Advanced modeling of protein sequence and biophysical properties (such as structural, functional, and spatial information, amino acid conservation, physicochemical variation, residue mobility, and thermodynamic stability) performed at Invitae indicates that this missense variant is not expected to disrupt RB1 protein function. In summary, the available evidence is currently insufficient to determine the role of this variant in disease. Therefore, it has been classified as a Variant of Uncertain Significance.

Literature cited by the submitters: PubMed 8776589.